The following is an entry in ClinVar:

ClinVar aggregate classification (germline): Uncertain significance. Review status: criteria provided, single submitter (1 of 4 stars). 2 submissions from 2 submitters: Uncertain significance (1). 1 of the submissions does not count toward it. Last evaluated 2024-06-28.

Conditions:
PCNT-related disorder. Also called: PCNT-related condition.
Inborn genetic diseases. Identifiers: MedGen C0950123, MeSH D030342.

gnomAD v4.1: 18 of 1,612,746 alleles (0.0011%); highest among the groups gnomAD compares: African/African-American, 0.008%; no homozygotes.

Submissions (2):

Ambry Genetics
Classification: Uncertain significance for Inborn genetic diseases. Last evaluated: 2024-06-28. Review status: criteria provided, single submitter. Criteria: Ambry Variant Classification Scheme 2023. Collection method: clinical testing. Allele origin: germline.

PreventionGenetics, part of Exact Sciences
Classification: Uncertain significance for PCNT-related condition. Last evaluated: 2024-09-04. Review status: no assertion criteria provided. Collection method: clinical testing. Allele origin: germline. Not counted in ClinVar's aggregate classification.
Comment: The PCNT c.5351G>A variant is predicted to result in the amino acid substitution p.Arg1784His. To our knowledge, this variant has not been reported in the literature. This variant is reported in 0.013% of alleles in individuals of African descent in gnomAD. At this time, the clinical significance of this variant is uncertain due to the absence of conclusive functional and genetic evidence.

NM_006031.6(PCNT):c.5351G>A (p.Arg1784His)

Gene: PCNT (pericentrin; plus strand). Cytogenetic location: 21q22.3.
Variant type: single nucleotide variant.
Coding change: c.5351G>A on transcript NM_006031.6 (MANE Select); coding-DNA position 5351, G replaced by A.
Protein change: p.Arg1784His; replaces arginine 1784 with histidine.
Molecular consequence: missense variant.
Genome position (GRCh38, 1-based): chr21:46,411,424, G>A. VCF-style: chr21-46411424-G-A. GRCh37 (hg19) VCF-style: chr21-47831338-G-A.
Other names: c.4997G>A, p.Arg1666His (NM_001315529.2); short protein forms R1666H, R1784H.
Identifiers: ClinVar variation 3357078 (VCV003357078.2).